The following is an entry in ClinVar:

ClinVar aggregate classification (germline): Uncertain significance (1 of 4 stars; one submission).

Allele frequency attached by ClinVar (database versions not stated): ExAC 0.00003.
gnomAD v4.1: 20 of 1,611,810 alleles (0.0012%); highest among the groups gnomAD compares: Middle Eastern, 0.017%; no homozygotes.

Submission:

Labcorp Genetics (formerly Invitae), Labcorp
Classification: Uncertain significance. Last evaluated: 2022-10-13. Review status: criteria provided, single submitter. Criteria: Invitae Variant Classification Sherloc (09022015). Collection method: clinical testing. Allele origin: germline.
Comment: This sequence change replaces alanine, which is neutral and non-polar, with valine, which is neutral and non-polar, at codon 424 of the FKBP10 protein (p.Ala424Val). This variant is present in population databases (rs782550716, gnomAD 0.03%). This variant has not been reported in the literature in individuals affected with FKBP10-related conditions. Advanced modeling of protein sequence and biophysical properties (such as structural, functional, and spatial information, amino acid conservation, physicochemical variation, residue mobility, and thermodynamic stability) performed at Invitae indicates that this missense variant is not expected to disrupt FKBP10 protein function. In summary, the available evidence is currently insufficient to determine the role of this variant in disease. Therefore, it has been classified as a Variant of Uncertain Significance.

NM_021939.4(FKBP10):c.1271C>T (p.Ala424Val)

Gene: FKBP10 (FKBP prolyl isomerase 10; plus strand). Cytogenetic location: 17q21.2.
Variant type: single nucleotide variant.
Coding change: c.1271C>T on transcript NM_021939.4 (MANE Select); coding-DNA position 1271, C replaced by T.
Protein change: p.Ala424Val; replaces alanine 424 with valine.
Molecular consequence: missense variant.
Genome position (GRCh38, 1-based): chr17:41,820,961, C>T. VCF-style: chr17-41820961-C-T. GRCh37 (hg19) VCF-style: chr17-39977213-C-T.
Other names: short protein forms A424V.
Identifiers: ClinVar variation 1938157 (VCV001938157.2), dbSNP rs782550716, ClinGen allele CA8566599.